The following is an entry in ClinVar:

ClinVar aggregate classification (germline): Likely pathogenic (1 of 4 stars; one submission).

Conditions:
Childhood Onset VCP-related Neurodevelopmental Disorder.

Submission:

The Division of Genetics and Genomic Medicine, Washington University School of Medicine
Classification: Likely pathogenic for Childhood Onset VCP-related Neurodevelopmental Disorder. Last evaluated: 2023-09-01. Review status: criteria provided, single submitter. Criteria: ACMG Guidelines, 2015. Collection method: clinical testing. Allele origin: de novo. Affected: yes. Observed: 1 variant allele.
Comment: It is not present in gnomAD and is predicted to be deleterious by multiple algorithms (REVEL score 0.86). In vitro ATPase assays show this variant has highly increased ATPase activity compared to wildtype (Mah-Som et al, 2023).

NM_007126.5(VCP):c.1622C>A (p.Ser541Tyr)

Gene: VCP (valosin containing protein; minus strand). Cytogenetic location: 9p13.3.
Variant type: single nucleotide variant.
Coding change: c.1622C>A on transcript NM_007126.5 (MANE Select); coding-DNA position 1622, C replaced by A.
Protein change: p.Ser541Tyr; replaces serine 541 with tyrosine.
Molecular consequence: missense variant.
Genome position (GRCh38, 1-based): chr9:35,060,386, G>T on the plus strand (C>A on the coding strand, the complement: VCP is on the minus strand). VCF-style: chr9-35060386-G-T. GRCh37 (hg19) VCF-style: chr9-35060383-G-T.
Other names: NP_009057.1:p.Ser541Tyr; c.1487C>A, p.Ser496Tyr (NM_001354927.2, NM_001354928.2); short protein forms S496Y, S541Y.
Identifiers: ClinVar variation 2582682 (VCV002582682.1), dbSNP rs2490351461, ClinGen allele CA373279292.
Genomic context (GRCh38, chr9:35,060,386, plus strand): 5'-TCTCTGACATTGGCCTCAGACTCCCCAAACCACATGGTGAGCAGCTCAGGACCCTTGATG[G>T]AGATGAAGTTGGCCTGGCATTCATTAGCAATGGCTTTGGCCAACAAAGTTTTCCCACAGC-3'
Protein context (NP_009057.1, residues 531-551): IANECQANFI[Ser541Tyr]IKGPELLTMW